The following is an entry in ClinVar:

NM_001845.6(COL4A1):c.4795G>A (p.Ala1599Thr)

Gene: COL4A1 (collagen type IV alpha 1 chain; minus strand). Cytogenetic location: 13q34.
Variant type: single nucleotide variant.
Coding change: c.4795G>A on transcript NM_001845.6 (MANE Select); coding-DNA position 4795, G replaced by A.
Protein change: p.Ala1599Thr; replaces alanine 1599 with threonine.
Molecular consequence: missense variant.
Genome position (GRCh38, 1-based): chr13:110,152,467, C>T on the plus strand (G>A on the coding strand, the complement: COL4A1 is on the minus strand). VCF-style: chr13-110152467-C-T. GRCh37 (hg19) VCF-style: chr13-110804814-C-T.
Other names: short protein forms A1599T.
Identifiers: ClinVar variation 2915173 (VCV002915173.3), dbSNP rs751674518, ClinGen allele CA7046800.
Genomic context (GRCh38, chr13:110,152,467, plus strand): 5'-GGCCGTGACACTCGATGAATGGCGCACTTCTAAACTCCTCCAGGCAGGAGCCGGGGGACG[C>T]CAGGGCTTGGCCAGAGCCTTCTGCACCAGCGCTGGTGTGCTGCAGAACAGATGCGAGCCG-3'
Protein context (NP_001836.3, residues 1589-1609): AGAEGSGQAL[Ala1599Thr]SPGSCLEEFR

ClinVar aggregate classification (germline): Uncertain significance (1 of 4 stars; one submission).

Allele frequency attached by ClinVar (database versions not stated): TOPMed below 0.00001; gnomAD 0.00001; gnomAD exomes 0.00001; ExAC 0.00003.
gnomAD v4.1: 10 of 1,613,758 alleles (0.00062%); highest among the groups gnomAD compares: Non-Finnish European, 0.00076%; no homozygotes.

Submission:

Labcorp Genetics (formerly Invitae), Labcorp
Classification: Uncertain significance. Last evaluated: 2025-01-08. Review status: criteria provided, single submitter. Criteria: Invitae Variant Classification Sherloc (09022015). Collection method: clinical testing. Allele origin: germline.
Comment: This sequence change replaces alanine, which is neutral and non-polar, with threonine, which is neutral and polar, at codon 1599 of the COL4A1 protein (p.Ala1599Thr). This variant is present in population databases (rs751674518, gnomAD 0.003%). This variant has not been reported in the literature in individuals affected with COL4A1-related conditions. ClinVar contains an entry for this variant (Variation ID: 2915173). Invitae Evidence Modeling of protein sequence and biophysical properties (such as structural, functional, and spatial information, amino acid conservation, physicochemical variation, residue mobility, and thermodynamic stability) indicates that this missense variant is not expected to disrupt COL4A1 protein function with a negative predictive value of 95%. In summary, the available evidence is currently insufficient to determine the role of this variant in disease. Therefore, it has been classified as a Variant of Uncertain Significance.